The following is an entry in ClinVar:

ClinVar aggregate classification (germline): Uncertain significance (1 of 4 stars; one submission).

Conditions:
TENM4-related disorder. Also called: TENM4-related condition.

Allele frequency attached by ClinVar (database versions not stated): ExAC 0.00001; gnomAD 0.00001; TOPMed 0.00001; gnomAD exomes 0.00002.
gnomAD v4.1: 24 of 1,611,518 alleles (0.0015%); highest among the groups gnomAD compares: East Asian, 0.0022%; no homozygotes.

Submission:

PreventionGenetics, part of Exact Sciences
Classification: Uncertain significance for TENM4-related condition. Last evaluated: 2022-10-26. Review status: criteria provided, single submitter. Criteria: ACMG Guidelines, 2015. Collection method: clinical testing. Allele origin: germline.
Comment: The TENM4 c.7504G>A variant is predicted to result in the amino acid substitution p.Glu2502Lys. To our knowledge, this variant has not been reported in the literature. This variant is reported in 0.0056% of alleles in individuals of East Asian descent in gnomAD. At this time, the clinical significance of this variant is uncertain due to the absence of conclusive functional and genetic evidence.

NM_001098816.3(TENM4):c.7504G>A (p.Glu2502Lys)

Gene: TENM4 (teneurin transmembrane protein 4; minus strand). Cytogenetic location: 11q14.1.
Variant type: single nucleotide variant.
Coding change: c.7504G>A on transcript NM_001098816.3 (MANE Select); coding-DNA position 7504, G replaced by A.
Protein change: p.Glu2502Lys; replaces glutamic acid 2502 with lysine.
Molecular consequence: missense variant.
Genome position (GRCh38, 1-based): chr11:78,661,496, C>T on the plus strand (G>A on the coding strand, the complement: TENM4 is on the minus strand). VCF-style: chr11-78661496-C-T. GRCh37 (hg19) VCF-style: chr11-78372541-C-T.
Other names: short protein forms E2502K.
Identifiers: ClinVar variation 2629046 (VCV002629046.1), dbSNP rs748314290, ClinGen allele CA6206234.